The following is an entry in ClinVar:

ClinVar aggregate classification (germline): Uncertain significance. Review status: criteria provided, multiple submitters, no conflicts (2 of 4 stars). 2 submissions from 2 submitters: Uncertain significance (2). Last evaluated 2024-09-13.

Allele frequency attached by ClinVar (database versions not stated): gnomAD exomes 0.00001 and 0.00002; ExAC 0.00002; gnomAD 0.00003.
gnomAD v4.1: 24 of 1,613,924 alleles (0.0015%); highest among the groups gnomAD compares: Non-Finnish European, 0.0019%; no homozygotes.

Submissions (2):

GeneDx
Classification: Uncertain significance. Last evaluated: 2024-09-13. Review status: criteria provided, single submitter. Criteria: GeneDx Variant Classification Process June 2021. Collection method: clinical testing. Allele origin: germline. Affected: yes.
Comment: Not observed at significant frequency in large population cohorts (gnomAD); In silico analysis supports that this missense variant has a deleterious effect on protein structure/function; Has not been previously published as pathogenic or benign to our knowledge

Labcorp Genetics (formerly Invitae), Labcorp
Classification: Uncertain significance. Last evaluated: 2022-10-05. Review status: criteria provided, single submitter. Criteria: Invitae Variant Classification Sherloc (09022015). Collection method: clinical testing. Allele origin: germline.
Comment: This sequence change replaces proline, which is neutral and non-polar, with leucine, which is neutral and non-polar, at codon 64 of the USH1C protein (p.Pro64Leu). This variant is present in population databases (rs758959670, gnomAD 0.004%). This variant has not been reported in the literature in individuals affected with USH1C-related conditions. ClinVar contains an entry for this variant (Variation ID: 1355009). Algorithms developed to predict the effect of missense changes on protein structure and function (SIFT, PolyPhen-2, Align-GVGD) all suggest that this variant is likely to be tolerated. In summary, the available evidence is currently insufficient to determine the role of this variant in disease. Therefore, it has been classified as a Variant of Uncertain Significance.

NM_153676.4(USH1C):c.191C>T (p.Pro64Leu)

Gene: USH1C (USH1 protein network component harmonin; minus strand). Cytogenetic location: 11p15.1.
Variant type: single nucleotide variant.
Coding change: c.191C>T on transcript NM_153676.4 (MANE Select); coding-DNA position 191, C replaced by T.
Protein change: p.Pro64Leu; replaces proline 64 with leucine.
Molecular consequence: missense variant. On other transcripts: non-coding transcript variant (1).
Genome position (GRCh38, 1-based): chr11:17,531,456, G>A on the plus strand (C>T on the coding strand, the complement: USH1C is on the minus strand). VCF-style: chr11-17531456-G-A. GRCh37 (hg19) VCF-style: chr11-17553003-G-A.
Other names: c.191C>T, p.Pro64Leu (NM_001297764.2, NM_005709.4); c.191C>T (NM_005709.3); short protein forms P64L.
Identifiers: ClinVar variation 1355009 (VCV001355009.6), dbSNP rs758959670, ClinGen allele CA5905143.
Genomic context (GRCh38, chr11:17,531,456, plus strand): 5'-CACCTGGAGCGCCGGGGGGTCAGCTGATCATATTCCACCTGGTGCTTCAGTGGGATCAGC[G>A]GCCGAATGGCATCAAACAGAGGCAGACGGCTGGGTTCATTGATGACCAGCTTCAGGTCTC-3'
Protein context (NP_710142.1, residues 54-74): SRLPLFDAIR[Pro64Leu]LIPLKHQVEY